The following is an entry in ClinVar:

ClinVar aggregate classification (germline): Conflicting classifications of pathogenicity. Review status: criteria provided, conflicting classifications (1 of 4 stars). 5 submissions from 5 submitters: Uncertain significance (3); Benign (1); Likely benign (1). Last evaluated 2026-01-16.

Conditions:
Intellectual disability. Also called: Intellectual functioning disability; intellectual disabilities; Intellectual developmental disorder. Identifiers: MedGen C3714756, MeSH D008607, MONDO:0001071, HP:0001249.
Singleton-Merten syndrome 1 (SGMRT1). Also called: Widened medullary cavities of bone, aortic calcification, abnormal dentition, and muscular weakness; Syndrome of widened medullary cavities of the metacarpals and phalanges, aortic calcification and abnormal dentition. Identifiers: Orphanet 85191, MedGen C4225427, MONDO:0024535, OMIM 182250.
Aicardi-Goutieres syndrome 7 (AGS7). Identifiers: Orphanet 51, MedGen C3888244, MONDO:0014367, OMIM 615846.

Allele frequency attached by ClinVar (database versions not stated): gnomAD exomes 0.00012 and 0.00019; ExAC 0.00013; 1000 Genomes Project 30x 0.00016; 1000 Genomes Project 0.00020; gnomAD 0.00022 and 0.00024; TOPMed 0.00022; ESP Exome Variant Server 0.00031.
gnomAD v4.1: 293 of 1,573,438 alleles (0.019%); highest among the groups gnomAD compares: African/African-American, 0.038%; no homozygotes.

Submissions (5):

Labcorp Genetics (formerly Invitae), Labcorp
Classification: Likely benign for Aicardi-Goutieres syndrome 7; Singleton-Merten syndrome 1. Last evaluated: 2026-01-16. Review status: criteria provided, single submitter. Criteria: Invitae Variant Classification Sherloc (09022015). Collection method: clinical testing. Allele origin: germline.

Women's Health and Genetics/Laboratory Corporation of America, LabCorp
Classification: Uncertain significance. Last evaluated: 2024-12-03. Review status: criteria provided, single submitter. Criteria: LabCorp Variant Classification Summary - May 2015. Collection method: clinical testing. Allele origin: germline.
Comment: Variant summary: IFIH1 c.445A>G (p.Arg149Gly) results in a non-conservative amino acid change located in the Death Domain, Fas (IPR011029) of the encoded protein sequence. Three of five in-silico tools predict a benign effect of the variant on protein function. The variant allele was found at a frequency of 0.00012 in 217294 control chromosomes. This frequency is not significantly higher than estimated for a pathogenic variant in IFIH1 causing Aicardi-Goutieres syndrome 7, allowing no conclusion about variant significance. To our knowledge, no occurrence of c.445A>G in individuals affected with IFIH1-related conditions has been reported. At least one publication reports experimental evidence that this variant fails to activate a target gene promoter in vitro, however, to our knowledge IFIH1 is not yet associated with any loss-of-function gene-disease associations (example, Lamborn_2017). The following publication has been ascertained in the context of this evaluation (PMID: 28606988). ClinVar contains an entry for this variant (Variation ID: 541775). Based on the evidence outlined above, the variant was classified as uncertain significance.

Mayo Clinic Laboratories, Mayo Clinic
Classification: Uncertain significance. Last evaluated: 2024-04-03. Review status: criteria provided, single submitter. Criteria: ACMG Guidelines, 2015. Collection method: clinical testing. Allele origin: germline. Observed: 1 variant allele.
Comment: BP4

Cambridge Genomics Laboratory, East Genomic Laboratory Hub, NHS Genomic Medicine Service
Classification: Benign for Intellectual disability. Last evaluated: 2019-04-17. Review status: criteria provided, single submitter. Criteria: ACGS Best Practice Guidelines for Variant Classification in Rare Disease 2020. Collection method: clinical testing. Allele origin: germline. Affected: yes. Observed: 1 variant allele.

CeGaT Center for Human Genetics Tuebingen
Classification: Uncertain significance. Last evaluated: 2017-11-01. Review status: criteria provided, single submitter. Criteria: CeGaT Center For Human Genetics Tuebingen Variant Classification Criteria Version 2. Collection method: clinical testing. Allele origin: germline. Affected: yes. Observed: 1 variant allele.

Literature cited by the submitters: PubMed 28606988 (cited by Women's Health and Genetics/Laboratory Corporation of America, LabCorp).

NM_022168.4(IFIH1):c.445A>G (p.Arg149Gly)

Gene: IFIH1 (interferon induced with helicase C domain 1; minus strand). Cytogenetic location: 2q24.2.
Variant type: single nucleotide variant.
Coding change: c.445A>G on transcript NM_022168.4 (MANE Select); coding-DNA position 445, A replaced by G.
Protein change: p.Arg149Gly; replaces arginine 149 with glycine.
Molecular consequence: missense variant.
Genome position (GRCh38, 1-based): chr2:162,317,863, T>C on the plus strand (A>G on the coding strand, the complement: IFIH1 is on the minus strand). VCF-style: chr2-162317863-T-C. GRCh37 (hg19) VCF-style: chr2-163174373-T-C.
Other names: p.Arg149Gly; c.445A>G, p.Arg149Gly (LRG_1235t1); short protein forms R149G.
Identifiers: ClinVar variation 541775 (VCV000541775.55), dbSNP rs74162074, ClinGen allele CA1934826.